The following is an entry in ClinVar:

NM_001386393.1(PANK2):c.521_525dup (p.Arg176fs)

Gene: PANK2 (pantothenate kinase 2; plus strand). Cytogenetic location: 20p13.
Variant type: Duplication.
Coding change: c.521_525dup on transcript NM_001386393.1 (MANE Select); coding-DNA positions 521 to 525, 5 bases duplicated (TTATA; older notation c.521_525dupTTATA).
Protein change: p.Arg176fs; shifts the reading frame from arginine 176.
Molecular consequence: frameshift variant. On other transcripts: 5 prime UTR variant (3), intron variant (1).
Genome position (GRCh38, 1-based): chr20:3,908,148-3,908,152, TTATA duplicated. VCF-style (leftmost placement, unchanged base first): chr20-3908147-T-TTTATA. GRCh37 (hg19) VCF-style: chr20-3888794-T-TTTATA.
Other names: c.-23_-19dup (NM_001324191.2, NM_024960.6, NM_153640.4); c.851_855dup, p.Arg286fs (NM_001324192.1, NM_153638.4); c.-328+13_-328+17dup (NM_001324193.2); c.851_855dup (NM_153638.2); short protein forms R286fs, R176fs.
Identifiers: ClinVar variation 664234 (VCV000664234.10), dbSNP rs1600534514, ClinGen allele CA915953086.

ClinVar aggregate classification (germline): Pathogenic (1 of 4 stars; one submission).

Conditions:
Pigmentary pallidal degeneration (NBIA1). Also called: Neuroaxonal dystrophy, late infantile; Hallervorden-Spatz disease; PKAN NEUROAXONAL DYSTROPHY, JUVENILE-ONSET; HARP SYNDROME; Neurodegeneration with brain iron accumulation 1; Pantothenate Kinase-Associated Neurodegeneration. Identifiers: Orphanet 157850, MedGen C0018523, MONDO:0009319, OMIM 234200.

Submission:

Labcorp Genetics (formerly Invitae), Labcorp
Classification: Pathogenic for Pigmentary pallidal degeneration. Last evaluated: 2021-02-20. Review status: criteria provided, single submitter. Criteria: Invitae Variant Classification Sherloc (09022015). Collection method: clinical testing. Allele origin: germline.
Comment: Loss-of-function variants in PANK2 are known to be pathogenic (PMID: 11479594, 12510040). For these reasons, this variant has been classified as Pathogenic. This variant has not been reported in the literature in individuals with PANK2-related disease. This variant is not present in population databases (ExAC no frequency). This sequence change creates a premature translational stop signal (p.Arg286Leufs*45) in the PANK2 gene. It is expected to result in an absent or disrupted protein product.

Literature cited by the submitters: PubMed 11479594; PubMed 12510040.